The following is an entry in ClinVar:

NM_014491.4(FOXP2):c.*3199G>A

Gene: FOXP2 (forkhead box P2; plus strand). Cytogenetic location: 7q31.1.
Variant type: single nucleotide variant.
Coding change: c.*3199G>A on transcript NM_014491.4 (MANE Select); 3199 bases downstream of the stop codon, G replaced by A.
Molecular consequence: 3 prime UTR variant. On other transcripts: non-coding transcript variant (2).
Genome position (GRCh38, 1-based): chr7:114,693,125, G>A. VCF-style: chr7-114693125-G-A. GRCh37 (hg19) VCF-style: chr7-114333180-G-A.
Other names: c.*3199G>A (NM_001172766.3, NM_148898.4, NM_148900.4).
Identifiers: ClinVar variation 358661 (VCV000358661.5), dbSNP rs149254099, ClinGen allele CA4446495.

ClinVar aggregate classification (germline): Benign (1 of 4 stars; one submission).

Conditions:
Childhood apraxia of speech (SPCH1). Also called: DEVELOPMENTAL VERBAL DYSPRAXIA; Speech language disorder; FOXP2-Related Speech and Language Disorder; SPEECH AND LANGUAGE DISORDER WITH OROFACIAL DYSPRAXIA. Identifiers: Orphanet 209908, MedGen C0750927, MONDO:0011184, OMIM 602081.

Allele frequency attached by ClinVar (database versions not stated): 1000 Genomes Project 0.00220; 1000 Genomes Project 30x 0.00234; ExAC 0.00353; gnomAD exomes 0.00504 and 0.00542; gnomAD 0.00526 and 0.00537; TOPMed 0.00539.
gnomAD v4.1: 2,463 of 453,838 alleles (0.54%); highest among the groups gnomAD compares: Middle Eastern, 1%; 11 homozygotes.

Submission:

Illumina Laboratory Services, Illumina
Classification: Benign for Childhood apraxia of speech. Last evaluated: 2018-01-13. Review status: criteria provided, single submitter. Criteria: ICSL Variant Classification Criteria 13 December 2019. Collection method: clinical testing. Allele origin: germline.
Comment: This variant was observed in the ICSL laboratory as part of a predisposition screen in an ostensibly healthy population. It had not been previously curated by ICSL or reported in the Human Gene Mutation Database (HGMD: prior to June 1st, 2018), and was therefore a candidate for classification through an automated scoring system. Utilizing variant allele frequency, disease prevalence and penetrance estimates, and inheritance mode, an automated score was calculated to assess if this variant is too frequent to cause the disease. Based on the score and internal cut-off values, a variant classified as benign is not then subjected to further curation. The score for this variant resulted in a classification of benign for this disease.